The following is an entry in ClinVar:

NM_000338.3(SLC12A1):c.2485+5_2485+10del

Gene: SLC12A1 (solute carrier family 12 member 1; plus strand). Cytogenetic location: 15q21.1.
Variant type: Deletion.
Coding change: c.2485+5_2485+10del on transcript NM_000338.3 (MANE Select); bases 5 to 10 of the intron after coding-DNA position 2485, 6 bases deleted (GTACTT; older notation c.2485+5_2485+10delGTACTT).
Molecular consequence: intron variant.
Genome position (GRCh38, 1-based): chr15:48,274,658-48,274,663, GTACTT deleted; deleting any 6 consecutive bases within chr15:48,274,657-48,274,663 gives the same sequence; the c. name uses the placement nearest the transcript's 3' end. VCF-style (leftmost placement, unchanged base first): chr15-48274656-ATGTACT-A. GRCh37 (hg19) VCF-style: chr15-48566853-ATGTACT-A.
Other names: c.2485+5_2485+10del (NM_001384136.1, NM_001184832.2).
Identifiers: ClinVar variation 2842685 (VCV002842685.3), dbSNP rs2505155053, ClinGen allele CA2739269430.

ClinVar aggregate classification (germline): Uncertain significance (1 of 4 stars; one submission).

Submission:

Labcorp Genetics (formerly Invitae), Labcorp
Classification: Uncertain significance. Last evaluated: 2023-06-16. Review status: criteria provided, single submitter. Criteria: Invitae Variant Classification Sherloc (09022015). Collection method: clinical testing. Allele origin: germline.
Comment: In summary, the available evidence is currently insufficient to determine the role of this variant in disease. Therefore, it has been classified as a Variant of Uncertain Significance. This sequence change falls in intron 20 of the SLC12A1 gene. It does not directly change the encoded amino acid sequence of the SLC12A1 protein. It affects a nucleotide within the consensus splice site. This variant is not present in population databases (gnomAD no frequency). This variant has not been reported in the literature in individuals affected with SLC12A1-related conditions. Variants that disrupt the consensus splice site are a relatively common cause of aberrant splicing (PMID: 17576681, 9536098). Algorithms developed to predict the effect of sequence changes on RNA splicing suggest that this variant may disrupt the consensus splice site.

Literature cited by the submitters: PubMed 17576681; PubMed 9536098.